The following is an entry in ClinVar:

ClinVar aggregate classification (germline): Likely benign (1 of 4 stars; one submission).

Allele frequency attached by ClinVar (database versions not stated): TOPMed below 0.00001; gnomAD 0.00003; 1000 Genomes Project 30x 0.00016; 1000 Genomes Project 0.00020.
gnomAD v4.1: 3 of 1,610,774 alleles (0.00019%); highest among the groups gnomAD compares: Non-Finnish European, 0.00025%; no homozygotes.

Submission:

GeneDx
Classification: Likely benign. Last evaluated: 2017-10-30. Review status: criteria provided, single submitter. Criteria: GeneDx Variant Classification (06012015). Collection method: clinical testing. Allele origin: germline. Affected: yes.
Comment: This variant is considered likely benign or benign based on one or more of the following criteria: it is a conservative change, it occurs at a poorly conserved position in the protein, it is predicted to be benign by multiple in silico algorithms, and/or has population frequency not consistent with disease.

NM_020822.3(KCNT1):c.3156+14C>G

Gene: KCNT1 (potassium sodium-activated channel subfamily T member 1; plus strand). Cytogenetic location: 9q34.3.
Variant type: single nucleotide variant.
Coding change: c.3156+14C>G on transcript NM_020822.3 (MANE Select); 14 bases into the intron after coding-DNA position 3156, C replaced by G.
Molecular consequence: intron variant.
Genome position (GRCh38, 1-based): chr9:135,784,903, C>G. VCF-style: chr9-135784903-C-G. GRCh37 (hg19) VCF-style: chr9-138676749-C-G.
Other names: c.3021+14C>G (NM_001272003.2).
Identifiers: ClinVar variation 513000 (VCV000513000.1), dbSNP rs555174141, ClinGen allele CA201483805.
Genomic context (GRCh38, chr9:135,784,903, plus strand): 5'-CCATTGGCATCTACCGGACAGAGAGCCACGTCTTCTCCACCTCGGAGGTTCTGGGGCAGC[C>G]TGGGGGCTGGGACTGTGGCAGCCCCTGTCCTGTGTGACCCACAGCATCCCCACCTTCCGG-3'